The following is an entry in ClinVar:

NM_004380.3(CREBBP):c.4799T>G (p.Ile1600Ser)

Gene: CREBBP (CREB binding protein; minus strand). Cytogenetic location: 16p13.3.
Variant type: single nucleotide variant.
Coding change: c.4799T>G on transcript NM_004380.3 (MANE Select); coding-DNA position 4799, T replaced by G.
Protein change: p.Ile1600Ser; replaces isoleucine 1600 with serine.
Molecular consequence: missense variant.
Genome position (GRCh38, 1-based): chr16:3,731,867, A>C on the plus strand (T>G on the coding strand, the complement: CREBBP is on the minus strand). VCF-style: chr16-3731867-A-C. GRCh37 (hg19) VCF-style: chr16-3781868-A-C.
Other names: c.4685T>G, p.Ile1562Ser (NM_001079846.1); short protein forms I1562S, I1600S.
Identifiers: ClinVar variation 1743146 (VCV001743146.2), dbSNP rs1225470937, ClinGen allele CA394560018.
Genomic context (GRCh38, chr16:3,731,867, plus strand): 5'-TTCTGGGACAGGTCATTGGACACGTTGGGCATGCTGGGCTTCTTCTTGTTGGCGCGGCTG[A>C]TGCTGCTTTTGTTCTTGTTGGTTTTCTTGTTGTTCTTCTTCTTGGCATTCTTGCTGTCGC-3'
Protein context (NP_004371.2, residues 1590-1610): NKKTNKNKSS[Ile1600Ser]SRANKKKPSM

ClinVar aggregate classification (germline): Uncertain significance (1 of 4 stars; one submission).

Conditions:
Inborn genetic diseases. Identifiers: MedGen C0950123, MeSH D030342.

gnomAD v4.1: 2 of 1,614,222 alleles (0.00012%); highest among the groups gnomAD compares: East Asian, 0.0022%; no homozygotes.

Submission:

Ambry Genetics
Classification: Uncertain significance for Inborn genetic diseases. Last evaluated: 2019-03-26. Review status: criteria provided, single submitter. Criteria: Ambry Variant Classification Scheme 2023. Collection method: clinical testing. Allele origin: germline.
Comment: The p.I1600S variant (also known as c.4799T>G), located in coding exon 29 of the CREBBP gene, results from a T to G substitution at nucleotide position 4799. The isoleucine at codon 1600 is replaced by serine, an amino acid with dissimilar properties. This amino acid position is well conserved in available vertebrate species; however, serine is the reference amino acid in other vertebrate species. In addition, the in silico prediction for this alteration is inconclusive. Since supporting evidence is limited at this time, the clinical significance of this alteration remains unclear.